The following is an entry in ClinVar:

NM_000478.6(ALPL):c.880G>T (p.Asp294Tyr)

Gene: ALPL (alkaline phosphatase, biomineralization associated; plus strand). Cytogenetic location: 1p36.12.
Variant type: single nucleotide variant.
Coding change: c.880G>T on transcript NM_000478.6 (MANE Select); coding-DNA position 880, G replaced by T.
Protein change: p.Asp294Tyr; replaces aspartic acid 294 with tyrosine.
Molecular consequence: missense variant.
Genome position (GRCh38, 1-based): chr1:21,573,682, G>T. VCF-style: chr1-21573682-G-T. GRCh37 (hg19) VCF-style: chr1-21900175-G-T.
Other names: c.715G>T, p.Asp239Tyr (NM_001127501.4); c.649G>T, p.Asp217Tyr (NM_001177520.3); c.880G>T, p.Asp294Tyr (NM_001369803.2, NM_001369804.2, NM_001369805.2); short protein forms D294Y, D217Y, D239Y.
Identifiers: ClinVar variation 553092 (VCV000553092.3), dbSNP rs1553414079, ClinGen allele CA338880197.
Genomic context (GRCh38, chr1:21,573,682, plus strand): 5'-TCACAGCCTCTCAGCATCCACATCCTCCTGGCGTCCTCCTCAGGTCTCTTCGAGCCAGGG[G>T]ACATGCAGTACGAGCTGAACAGGAACAACGTGACGGACCCGTCACTCTCCGAGATGGTGG-3'
Protein context (NP_000469.3, residues 284-304): DYLLGLFEPG[Asp294Tyr]MQYELNRNNV

ClinVar aggregate classification (germline): Likely pathogenic. Review status: criteria provided, single submitter (1 of 4 stars). 2 submissions from 2 submitters: Likely pathogenic (1). 1 of the submissions does not count toward it. Last evaluated 2025-08-29.

Conditions:
Infantile hypophosphatasia. Identifiers: Orphanet 247651, Orphanet 436, MedGen C0268412, MONDO:1010169, OMIM 241500, MONDO:0009427.
Hypophosphatasia. Also called: Phosphoethanol-aminuria. Identifiers: Orphanet 436, MedGen C0020630, MeSH D007014, MONDO:0018570.

gnomAD v4.1: 2 of 1,613,944 alleles (0.00012%); highest among the groups gnomAD compares: Non-Finnish European, 0.00017%; no homozygotes.

Submissions (2):

Genomenon, Inc
Classification: Likely pathogenic for Hypophosphatasia. Last evaluated: 2025-08-29. Review status: criteria provided, single submitter. Criteria: Genomenon Sequence Variant Interpretation Standards. Collection method: curation. Allele origin: germline. Affected: yes.
Comment: ALPL Asp294Tyr (c.880G>T) is a missense variant that changes the amino acid at residue 294 from Aspartic acid to Tyrosine. This variant has been observed in a proband affected with hypophosphatasia (PMID:11438998). It has been observed in trans with a pathogenic variant (PMID:11438998). This variant has been described as Asp277Tyr in the literature. It is absent or not present at a significant frequency in gnomAD. In silico models agree that this variant is possibly or probably damaging. In conclusion, we classify ALPL p.Asp294Tyr (c.880G>T) as a likely pathogenic variant.

Counsyl
Classification: Uncertain significance for Infantile hypophosphatasia. Last evaluated: 2017-08-02. Review status: no assertion criteria provided. Collection method: clinical testing. Allele origin: unknown. Not counted in ClinVar's aggregate classification.

Literature cited by the submitters: PubMed 11438998 (cited by Genomenon, Inc and Counsyl).